The following is an entry in ClinVar:

ClinVar aggregate classification (germline): Uncertain significance (1 of 4 stars; one submission).

Allele frequency attached by ClinVar (database versions not stated): gnomAD 0.00001; TOPMed 0.00001; ExAC 0.00002.
gnomAD v4.1: 16 of 1,613,914 alleles (0.00099%); highest among the groups gnomAD compares: Admixed American, 0.0017%; no homozygotes.

Submission:

Labcorp Genetics (formerly Invitae), Labcorp
Classification: Uncertain significance. Last evaluated: 2023-11-07. Review status: criteria provided, single submitter. Criteria: Invitae Variant Classification Sherloc (09022015). Collection method: clinical testing. Allele origin: germline.
Comment: This sequence change replaces alanine, which is neutral and non-polar, with threonine, which is neutral and polar, at codon 632 of the MCM5 protein (p.Ala632Thr). This variant is present in population databases (rs769483646, gnomAD 0.007%). This variant has not been reported in the literature in individuals affected with MCM5-related conditions. Advanced modeling of protein sequence and biophysical properties (such as structural, functional, and spatial information, amino acid conservation, physicochemical variation, residue mobility, and thermodynamic stability) performed at Invitae indicates that this missense variant is not expected to disrupt MCM5 protein function with a negative predictive value of 80%. In summary, the available evidence is currently insufficient to determine the role of this variant in disease. Therefore, it has been classified as a Variant of Uncertain Significance.

NM_006739.4(MCM5):c.1894G>A (p.Ala632Thr)

Gene: MCM5 (minichromosome maintenance complex component 5; plus strand). Cytogenetic location: 22q12.3.
Variant type: single nucleotide variant.
Coding change: c.1894G>A on transcript NM_006739.4 (MANE Select); coding-DNA position 1894, G replaced by A.
Protein change: p.Ala632Thr; replaces alanine 632 with threonine.
Molecular consequence: missense variant.
Genome position (GRCh38, 1-based): chr22:35,421,379, G>A. VCF-style: chr22-35421379-G-A. GRCh37 (hg19) VCF-style: chr22-35817372-G-A.
Other names: short protein forms A632T.
Identifiers: ClinVar variation 2977609 (VCV002977609.3), dbSNP rs769483646, ClinGen allele CA10205553.